The following is an entry in ClinVar:

ClinVar aggregate classification (germline): Likely benign (1 of 4 stars; one submission).

gnomAD v4.1: 7 of 1,613,980 alleles (0.00043%); highest among the groups gnomAD compares: African/African-American, 0.0013%; no homozygotes.

Submission:

CeGaT Center for Human Genetics Tuebingen
Classification: Likely benign. Last evaluated: 2026-08-01. Review status: criteria provided, single submitter. Criteria: CeGaT Center For Human Genetics Tuebingen Variant Classification Criteria Version 2. Collection method: clinical testing. Allele origin: germline. Affected: yes. Observed: 1 variant allele.
Comment: SPEN: BP4

NM_015001.3(SPEN):c.8287G>T (p.Ala2763Ser)

Gene: SPEN (spen family transcriptional repressor; plus strand). Cytogenetic location: 1p36.13.
Variant type: single nucleotide variant.
Coding change: c.8287G>T on transcript NM_015001.3 (MANE Select); coding-DNA position 8287, G replaced by T.
Protein change: p.Ala2763Ser; replaces alanine 2763 with serine.
Molecular consequence: missense variant.
Genome position (GRCh38, 1-based): chr1:15,934,527, G>T. VCF-style: chr1-15934527-G-T. GRCh37 (hg19) VCF-style: chr1-16261022-G-T.
Other names: short protein forms A2763S.
Identifiers: ClinVar variation 5041882 (VCV005041882.1).